The following is an entry in ClinVar:

NM_000282.4(PCCA):c.2061T>G (p.Ile687Met)

Gene: PCCA (propionyl-CoA carboxylase subunit alpha; plus strand). Cytogenetic location: 13q32.3.
Variant type: single nucleotide variant.
Coding change: c.2061T>G on transcript NM_000282.4 (MANE Select); coding-DNA position 2061, T replaced by G.
Protein change: p.Ile687Met; replaces isoleucine 687 with methionine.
Molecular consequence: missense variant. On other transcripts: non-coding transcript variant (5).
Genome position (GRCh38, 1-based): chr13:100,527,695, T>G. VCF-style: chr13-100527695-T-G. GRCh37 (hg19) VCF-style: chr13-101179949-T-G.
Other names: c.1983T>G, p.Ile661Met (NM_001127692.3); c.1920T>G, p.Ile640Met (NM_001178004.2); c.2007T>G, p.Ile669Met (NM_001352605.2); c.1917T>G, p.Ile639Met (NM_001352606.2); c.1842T>G, p.Ile614Met (NM_001352607.2); c.1839T>G, p.Ile613Met (NM_001352608.2); c.1116T>G, p.Ile372Met (NM_001352610.2); c.1062T>G, p.Ile354Met (NM_001352611.2); and 1 more; short protein forms I372M, I324M, I354M, I614M, I639M, I640M, I661M, I669M.
Identifiers: ClinVar variation 1704493 (VCV001704493.1), dbSNP rs2549086331, ClinGen allele CA388640618.

ClinVar aggregate classification (germline): Uncertain significance (1 of 4 stars; one submission).

Submission:

Women's Health and Genetics/Laboratory Corporation of America, LabCorp
Classification: Uncertain significance. Last evaluated: 2022-07-12. Review status: criteria provided, single submitter. Criteria: LabCorp Variant Classification Summary - May 2015. Collection method: clinical testing. Allele origin: germline.
Comment: Variant summary: PCCA c.2061T>G (p.Ile687Met) results in a conservative amino acid change located in the Biotin/lipoyl attachment domain of the encoded protein sequence. Three of five in-silico tools predict a benign effect of the variant on protein function. The variant was absent in 251472 control chromosomes. The available data on variant occurrences in the general population are insufficient to allow any conclusion about variant significance. To our knowledge, no occurrence of c.2061T>G in individuals affected with Propionic Acidemia and no experimental evidence demonstrating its impact on protein function have been reported. No clinical diagnostic laboratories have submitted clinical-significance assessments for this variant to ClinVar after 2014. Based on the evidence outlined above, the variant was classified as uncertain significance.